The following is an entry in ClinVar:

ClinVar aggregate classification (germline): Uncertain significance (1 of 4 stars; one submission).

Submission:

Ambry Genetics
Classification: Uncertain significance. Last evaluated: 2025-04-28. Review status: criteria provided, single submitter. Criteria: Ambry Variant Classification Scheme 2023. Collection method: clinical testing. Allele origin: germline.
Comment: The p.L124P variant (also known as c.371T>C), located in coding exon 2 of the ATRIP gene, results from a T to C substitution at nucleotide position 371. The leucine at codon 124 is replaced by proline, an amino acid with similar properties. This amino acid position is conserved. In addition, this alteration is predicted to be deleterious by in silico analysis. Based on the available evidence, the clinical significance of this variant remains unclear.

NM_130384.3(ATRIP):c.371T>C (p.Leu124Pro)

Genes: ATRIP (ATR interacting protein; plus strand), ATRIP-TREX1 (ATRIP-TREX1 readthrough; plus strand). Cytogenetic location: 3p21.31.
Variant type: single nucleotide variant.
Coding change: c.371T>C on transcript NM_130384.3 (MANE Select); coding-DNA position 371, T replaced by C.
Protein change: p.Leu124Pro; replaces leucine 124 with proline.
Molecular consequence: missense variant. On other transcripts: non-coding transcript variant (1), 5 prime UTR variant (1).
Genome position (GRCh38, 1-based): chr3:48,450,160, T>C. VCF-style: chr3-48450160-T-C. GRCh37 (hg19) VCF-style: chr3-48491566-T-C.
Other names: c.-94T>C (NM_001271022.2); c.92T>C, p.Leu31Pro (NM_001271023.2); c.371T>C, p.Leu124Pro (NM_032166.4); short protein forms L124P, L31P.
Identifiers: ClinVar variation 3976387 (VCV003976387.1).